The following is an entry in ClinVar:

NM_206933.4(USH2A):c.4645C>T (p.Arg1549Ter)

Gene: USH2A (usherin; minus strand). Cytogenetic location: 1q41.
Variant type: single nucleotide variant.
Coding change: c.4645C>T on transcript NM_206933.4 (MANE Select); coding-DNA position 4645, C replaced by T.
Protein change: p.Arg1549Ter; replaces arginine 1549 with a stop codon.
Molecular consequence: nonsense.
Genome position (GRCh38, 1-based): chr1:216,097,196, G>A on the plus strand (C>T on the coding strand, the complement: USH2A is on the minus strand). VCF-style: chr1-216097196-G-A. GRCh37 (hg19) VCF-style: chr1-216270538-G-A.
Other names: short protein forms R1549*.
Identifiers: ClinVar variation 504513 (VCV000504513.26), dbSNP rs199679165, ClinGen allele CA1395659.

ClinVar aggregate classification (germline): Pathogenic. Review status: criteria provided, multiple submitters, no conflicts (2 of 4 stars). 13 submissions from 12 submitters: Pathogenic (11). 2 of the submissions do not count toward it. Last evaluated 2026-06-02.

Conditions:
Rare genetic deafness. Identifiers: Orphanet 96210, MedGen C5680250.
Retinitis pigmentosa 39 (RP39). Identifiers: Orphanet 791, MedGen C3151138, MONDO:0013436, OMIM 613809.
USH2A-related disorder. Also called: USH2A-related condition; USH2A-related disorders. Identifiers: MedGen CN239332.
Usher syndrome type 2A. Also called: USHER SYNDROME, TYPE IIA; RETINAL DISEASE IN USHER SYNDROME TYPE IIA, MODIFIER OF. Identifiers: Orphanet 231178, Orphanet 886, MedGen C1848634, MONDO:0010169, OMIM 276901.

Allele frequency attached by ClinVar (database versions not stated): gnomAD 0.00001; TOPMed 0.00001; ExAC 0.00002; gnomAD exomes 0.00002 and 0.00003; 1000 Genomes Project 30x 0.00016; 1000 Genomes Project 0.00020.
gnomAD v4.1: 45 of 1,614,124 alleles (0.0028%); highest among the groups gnomAD compares: South Asian, 0.0033%; no homozygotes.

Submissions (13):

PreventionGenetics, part of Exact Sciences
Classification: Pathogenic for USH2A-related condition. Last evaluated: 2026-06-02. Review status: criteria provided, single submitter. Criteria: ACMG Guidelines, 2015. Collection method: clinical testing. Allele origin: germline.
Comment: The USH2A c.4645C>T variant is predicted to result in premature protein termination (p.Arg1549*). This variant has been reported many times in individuals with Usher syndrome or non-syndromic retinal disease (see for examples: Baux et al. 2007. PubMed ID: 17405132; Maranhao et al. 2015. PubMed ID: 26352687; Sloan-Heggen et al. 2016. PubMed ID: 26969326; Garcia-Garcia et al. 2011. PubMed ID: 22004887; Table S1, Lin et al. 2024. PubMed ID: 38219857). This variant is present in 0.0046% of alleles in individuals of European (Finnish) descent in gnomAD. Nonsense variants in USH2A are an established mechanism of disease. This variant is interpreted as pathogenic.

Labcorp Genetics (formerly Invitae), Labcorp
Classification: Pathogenic. Last evaluated: 2026-01-13. Review status: criteria provided, single submitter. Criteria: Invitae Variant Classification Sherloc (09022015). Collection method: clinical testing. Allele origin: germline.
Comment: This sequence change creates a premature translational stop signal (p.Arg1549*) in the USH2A gene. It is expected to result in an absent or disrupted protein product. Loss-of-function variants in USH2A are known to be pathogenic (PMID: 10729113, 10909849, 20507924, 25649381). This variant is present in population databases (rs199679165, gnomAD 0.004%). This premature translational stop signal has been observed in individual(s) with Usher syndrome or retinitis pigmentosa (PMID: 26352687, 28559085, 29899460). ClinVar contains an entry for this variant (Variation ID: 504513). Algorithms developed to predict the effect of sequence changes on RNA splicing suggest that this variant may disrupt the consensus splice site. For these reasons, this variant has been classified as Pathogenic.

Natera, Inc.
Classification: Pathogenic for Usher syndrome type 2A. Last evaluated: 2024-12-26. Review status: criteria provided, single submitter. Criteria: Natera Variant Classification Schema (03/2026). Collection method: clinical testing. Allele origin: germline.
Comment: The c.4645C>T variant in USH2A is a nonsense variant predicted to introduce a stop codon at amino acid 1549. This variant is expected to result in nonsense mediated decay, truncation, or a dysfunctional protein product. This variant is rare in the general population with a frequency below the threshold expected for the associated phenotype(s). This variant has been observed in one or more individuals affected with the associated recessive disease, as either homozygous or compound heterozygous with a second variant (PMID: 22004887). Given the available evidence, this variant is classified as Pathogenic.

GeneDx
Classification: Pathogenic. Last evaluated: 2024-12-06. Review status: criteria provided, single submitter. Criteria: GeneDx Variant Classification Process June 2021. Collection method: clinical testing. Allele origin: germline. Affected: yes.
Comment: Nonsense variant predicted to result in protein truncation or nonsense mediated decay in a gene for which loss of function is a known mechanism of disease; Not observed at a significant frequency in large population cohorts (gnomAD); This variant is associated with the following publications: (PMID: 34758253, 29899460, 28157192, 28559085, 31054281, 22004887, 20507924, 25472526, 25525159, 17405132, 26352687, 31960602, 31266775, 24944099, 29196752, 18641288, 32176120, 22135276, 26969326, 27460420, 32188678, 32675063, 31964843, 36464167, 36110214, 36729443, 36284460, 35982127)

Baylor Genetics
Classification: Pathogenic for Retinitis pigmentosa 39. Last evaluated: 2024-03-28. Review status: criteria provided, single submitter. Criteria: ACMG Guidelines, 2015. Collection method: clinical testing. Allele origin: unknown.

Blueprint Genetics
Classification: Pathogenic for USH2A-related disorders. Last evaluated: 2024-02-20. Review status: criteria provided, single submitter. Criteria: ACMG Guidelines, 2015. Collection method: clinical testing. Allele origin: germline. Affected: yes. Observed: 5 variant alleles.

Genome-Nilou Lab
Classification: Pathogenic for Retinitis pigmentosa 39. Last evaluated: 2023-11-04. Review status: criteria provided, single submitter. Criteria: ACMG Guidelines, 2015. Collection method: clinical testing. Allele origin: germline. Affected: no.

Genome-Nilou Lab
Classification: Pathogenic for Usher syndrome type 2A. Last evaluated: 2023-11-04. Review status: criteria provided, single submitter. Criteria: ACMG Guidelines, 2015. Collection method: clinical testing. Allele origin: germline. Affected: no.

Victorian Clinical Genetics Services, Murdoch Childrens Research Institute
Classification: Pathogenic for Usher syndrome type 2A. Last evaluated: 2020-05-01. Review status: criteria provided, single submitter. Criteria: ACMG Guidelines, 2015. Collection method: clinical testing. Allele origin: germline. Inheritance: Autosomal recessive inheritance. Affected: yes.
Comment: Based on the classification scheme VCGS_Germline_v1.1.1, this variant is classified as Pathogenic. Following criteria are met: 0102 - Loss-of-function is a known mechanism of disease for this gene. (N) 0106 - This gene is known to be associated with autosomal recessive disease. (N) 0201 - Variant is predicted to cause nonsense-mediated decay (NMD) and loss of protein (exon 22 of 72). (P) 0251 - Variant is heterozygous. (N) 0304 - Variant is present in gnomAD <0.01 for a recessive condition (4 heterozygotes, 0 homozygotes). (P) 0701 - Comparable variants have very strong previous evidence for pathogenicity. More than 10 NMD-predicted variants have been reported as likely pathogenic/pathogenic (ClinVar). (P) 0801 - Strong previous evidence of pathogenicity in unrelated individuals. This variant has been reported in unrelated patients with Usher syndrome and retinitis pigmentosa (PMIDs: 17405132, 26352687, 29899460), and as pathogenic in ClinVar. (N) Legend: (P) - Pathogenic, (N) - Neutral, (B) - Benign

Centre for Genomic Medicine, Manchester, Central Manchester University Hospitals
Classification: Pathogenic for Usher syndrome type 2A. Last evaluated: 2019-02-01. Review status: criteria provided, single submitter. Criteria: ACMG Guidelines, 2015. Collection method: clinical testing. Allele origin: germline. Affected: yes. Observed: 1 variant allele, 1 compound heterozygote.

Laboratory for Molecular Medicine, Mass General Brigham Personalized Medicine
Classification: Pathogenic for Rare genetic deafness. Last evaluated: 2017-08-15. Review status: criteria provided, single submitter. Criteria: LMM Criteria. Collection method: clinical testing. Allele origin: germline. Inheritance: Autosomal recessive inheritance. Observed: 1 variant allele.
Comment: The p.Arg1549X variant in USH2A has been previously reported in over 10 individu als with Usher syndrome, most of whom were homozygous or compound heterozygous w ith a second pathogenic USH2A variant (Baux 2007, Bonnet 2016, Garcia-Garcia 201 1, Le Quesne Stabej 2012, Maranhao 2015, McGee 2010, Sandberg 2008, Zhao 2015). This variant has been identified in 2/111610 European chromosomes by the Genome Aggregation Database (gnomAD; dbSNP rs199679 165). Although this variant has been seen in the general population, its frequen cy is low enough to be consistent with a carrier frequency for autosomal recessi ve Usher syndrome. This nonsense variant leads to a premature termination codon at position 1549, which is predicted to lead to a truncated or absent protein. L oss of function of the USH2A gene is an established disease mechanism in autosom al recessive Usher syndrome. In summary, this variant meets criteria to be clas sified as pathogenic for autosomal recessive Usher syndrome, based on the previo usly reported individuals with Usher syndrome, a low frequency in the general po pulation, and predicted impact to the protein.

Counsyl
Classification: Pathogenic for Usher syndrome type 2A; Retinitis pigmentosa 39. Last evaluated: 2017-09-11. Review status: no assertion criteria provided. Collection method: clinical testing. Allele origin: unknown. Not counted in ClinVar's aggregate classification.

Genomics England Pilot Project, Genomics England
Classification: Pathogenic for Usher syndrome type 2A. Review status: no assertion criteria provided. Criteria: ACGS Guidelines, 2016. Collection method: clinical testing. Allele origin: germline. Affected: yes. Not counted in ClinVar's aggregate classification.

Literature cited by the submitters: PubMed 10729113 (cited by Labcorp Genetics (formerly Invitae), Labcorp); PubMed 10909849 (cited by Labcorp Genetics (formerly Invitae), Labcorp); PubMed 20507924 (cited by Labcorp Genetics (formerly Invitae), Labcorp and Laboratory for Molecular Medicine, Mass General Brigham Personalized Medicine); PubMed 25649381 (cited by Labcorp Genetics (formerly Invitae), Labcorp); PubMed 26352687 (cited by 3 submitters); PubMed 28559085 (cited by Labcorp Genetics (formerly Invitae), Labcorp); PubMed 29899460 (cited by Labcorp Genetics (formerly Invitae), Labcorp and Victorian Clinical Genetics Services, Murdoch Childrens Research Institute); PubMed 22004887 (cited by 3 submitters); PubMed 17405132 (cited by 3 submitters); PubMed 27460420 (cited by Laboratory for Molecular Medicine, Mass General Brigham Personalized Medicine); PubMed 22135276 (cited by Laboratory for Molecular Medicine, Mass General Brigham Personalized Medicine); PubMed 18641288 (cited by Laboratory for Molecular Medicine, Mass General Brigham Personalized Medicine); PubMed 25472526 (cited by Laboratory for Molecular Medicine, Mass General Brigham Personalized Medicine).